The following is an entry in ClinVar:

ClinVar aggregate classification (germline): Uncertain significance (1 of 4 stars; one submission).

Submission:

Labcorp Genetics (formerly Invitae), Labcorp
Classification: Uncertain significance. Last evaluated: 2022-10-07. Review status: criteria provided, single submitter. Criteria: Invitae Variant Classification Sherloc (09022015). Collection method: clinical testing. Allele origin: germline.
Comment: In summary, the available evidence is currently insufficient to determine the role of this variant in disease. Therefore, it has been classified as a Variant of Uncertain Significance. Variants that disrupt the consensus splice site are a relatively common cause of aberrant splicing (PMID: 17576681, 9536098). Algorithms developed to predict the effect of sequence changes on RNA splicing suggest that this variant is not likely to affect RNA splicing. This variant has not been reported in the literature in individuals affected with ERCC2-related conditions. This variant is not present in population databases (gnomAD no frequency). This sequence change falls in intron 21 of the ERCC2 gene. It does not directly change the encoded amino acid sequence of the ERCC2 protein. It affects a nucleotide within the consensus splice site.

Literature cited by the submitters: PubMed 17576681; PubMed 9536098.

NM_000400.4(ERCC2):c.2047-3C>T

Gene: ERCC2 (ERCC excision repair 2, TFIIH core complex helicase subunit; minus strand). Cytogenetic location: 19q13.32.
Variant type: single nucleotide variant.
Coding change: c.2047-3C>T on transcript NM_000400.4 (MANE Select); 3 bases into the intron before coding-DNA position 2047, C replaced by T.
Molecular consequence: intron variant.
Genome position (GRCh38, 1-based): chr19:45,352,355, G>A on the plus strand (C>T on the coding strand, the complement: ERCC2 is on the minus strand). VCF-style: chr19-45352355-G-A. GRCh37 (hg19) VCF-style: chr19-45855613-G-A.
Identifiers: ClinVar variation 1990635 (VCV001990635.4), dbSNP rs2513998258, ClinGen allele CA2580097401.